The following is an entry in ClinVar:

NM_015082.2(FSTL4):c.2187A>G (p.Gln729=)

Gene: FSTL4 (follistatin like 4; minus strand). Cytogenetic location: 5q31.1.
Variant type: single nucleotide variant.
Coding change: c.2187A>G on transcript NM_015082.2 (MANE Select); coding-DNA position 2187, A replaced by G.
Protein change: p.Gln729=; no amino-acid change (glutamine 729 retained).
Molecular consequence: synonymous variant.
Genome position (GRCh38, 1-based): chr5:133,199,437, T>C on the plus strand (A>G on the coding strand, the complement: FSTL4 is on the minus strand). VCF-style: chr5-133199437-T-C. GRCh37 (hg19) VCF-style: chr5-132535129-T-C.
Identifiers: ClinVar variation 2655703 (VCV002655703.24), dbSNP rs141195594, ClinGen allele CA3410638.
Genomic context (GRCh38, chr5:133,199,437, plus strand): 5'-GTATTGATTGCTTTCAGTGAAGGAGCGCTGGAAGGCCAAGTCTGAGATGCCCGAGTTTAT[T>C]TGCAGGTCATACAGGGTCTGGATCTCGCCCCGCACTGTGATCTCCTGCACGTGCAGCCAG-3'
Protein context (NP_055897.1, residues 719-739): RGEIQTLYDL[Gln729=]INSGISDLAF

ClinVar aggregate classification (germline): Likely benign (1 of 4 stars; one submission).

Allele frequency attached by ClinVar (database versions not stated): gnomAD 0.00104; ESP Exome Variant Server 0.00023; ExAC 0.00035; 1000 Genomes Project 0.00060; 1000 Genomes Project 30x 0.00062; gnomAD exomes 0.00062; TOPMed 0.00083.
gnomAD v4.1: 1,060 of 1,614,194 alleles (0.066%); highest among the groups gnomAD compares: Admixed American, 0.22%; 1 homozygote.

Submission:

CeGaT Center for Human Genetics Tuebingen
Classification: Likely benign. Last evaluated: 2022-05-01. Review status: criteria provided, single submitter. Criteria: CeGaT Center For Human Genetics Tuebingen Variant Classification Criteria Version 2. Collection method: clinical testing. Allele origin: germline. Affected: yes. Observed: 1 variant allele.
Comment: FSTL4: BP4, BP7